The following is an entry in ClinVar:

NM_000053.4(ATP7B):c.1669G>A (p.Glu557Lys)

Gene: ATP7B (ATPase copper transporting beta; minus strand). Cytogenetic location: 13q14.3.
Variant type: single nucleotide variant.
Coding change: c.1669G>A on transcript NM_000053.4 (MANE Select); coding-DNA position 1669, G replaced by A.
Protein change: p.Glu557Lys; replaces glutamic acid 557 with lysine.
Molecular consequence: missense variant.
Genome position (GRCh38, 1-based): chr13:51,968,482, C>T on the plus strand (G>A on the coding strand, the complement: ATP7B is on the minus strand). VCF-style: chr13-51968482-C-T. GRCh37 (hg19) VCF-style: chr13-52542618-C-T.
Other names: c.1669G>A, p.Glu557Lys (NM_001005918.3, NM_001330578.2, NM_001330579.2 and 26 more transcripts); c.1336G>A, p.Glu446Lys (NM_001243182.2); c.1636G>A, p.Glu546Lys (NM_001406524.1, NM_001406514.1); c.1573G>A, p.Glu525Lys (NM_001406530.1, NM_001406544.1, NM_001406517.1 and 3 more transcripts); c.1240G>A, p.Glu414Lys (NM_001406539.1); short protein forms E557K, E525K, E414K, E446K, E546K.
Identifiers: ClinVar variation 2098765 (VCV002098765.1), dbSNP rs1258692994, ClinGen allele CA388032775.
Genomic context (GRCh38, chr13:51,968,482, plus strand): 5'-GTAACGCACCCACAGTACTTACTGTCAGCTCAATGTTGCCATCGGAGCCTGCGTAGTCCT[C>T]CATGACTGCTGCCTCAAAACCCAGGTCCTGGATGAACTGAGCTATCTCGAGGGGCTGGAT-3'
Protein context (NP_000044.2, residues 547-567): QDLGFEAAVM[Glu557Lys]DYAGSDGNIE

ClinVar aggregate classification (germline): Uncertain significance (1 of 4 stars; one submission).

Conditions:
Wilson disease (WND). Also called: Wilson's disease. Identifiers: Orphanet 905, MedGen C0019202, MONDO:0010200, OMIM 277900. Disease mechanism: loss of function.

Allele frequency attached by ClinVar (database versions not stated): gnomAD exomes below 0.00001; gnomAD 0.00001.
gnomAD v4.1: 2 of 1,614,108 alleles (0.00012%); highest among the groups gnomAD compares: African/African-American, 0.0013%; no homozygotes.

Submission:

Labcorp Genetics (formerly Invitae), Labcorp
Classification: Uncertain significance for Wilson disease. Last evaluated: 2022-10-17. Review status: criteria provided, single submitter. Criteria: Invitae Variant Classification Sherloc (09022015). Collection method: clinical testing. Allele origin: germline.
Comment: This sequence change replaces glutamic acid, which is acidic and polar, with lysine, which is basic and polar, at codon 557 of the ATP7B protein (p.Glu557Lys). This variant is not present in population databases (gnomAD no frequency). This variant has not been reported in the literature in individuals affected with ATP7B-related conditions. Advanced modeling of protein sequence and biophysical properties (such as structural, functional, and spatial information, amino acid conservation, physicochemical variation, residue mobility, and thermodynamic stability) performed at Invitae indicates that this missense variant is not expected to disrupt ATP7B protein function. In summary, the available evidence is currently insufficient to determine the role of this variant in disease. Therefore, it has been classified as a Variant of Uncertain Significance.